The following is an entry in ClinVar:

NM_012144.4(DNAI1):c.1088G>C (p.Gly363Ala)

Gene: DNAI1 (dynein axonemal intermediate chain 1; plus strand). Cytogenetic location: 9p13.3.
Variant type: single nucleotide variant.
Coding change: c.1088G>C on transcript NM_012144.4 (MANE Select); coding-DNA position 1088, G replaced by C.
Protein change: p.Gly363Ala; replaces glycine 363 with alanine.
Molecular consequence: missense variant.
Genome position (GRCh38, 1-based): chr9:34,506,651, G>C. VCF-style: chr9-34506651-G-C. GRCh37 (hg19) VCF-style: chr9-34506649-G-C.
Other names: c.1100G>C, p.Gly367Ala (NM_001281428.2); c.1088G>C (NM_012144.3); short protein forms G363A, G367A.
Identifiers: ClinVar variation 1515362 (VCV001515362.7), dbSNP rs1470058689, ClinGen allele CA373256281.

ClinVar aggregate classification (germline): Uncertain significance. Review status: criteria provided, single submitter (1 of 4 stars). 2 submissions from 2 submitters: Uncertain significance (1). 1 of the submissions does not count toward it. Last evaluated 2022-06-04.

Conditions:
Primary ciliary dyskinesia. Also called: Ciliary dyskinesia. Identifiers: Orphanet 244, MedGen C0008780, MONDO:0016575, HP:0012265.

Allele frequency attached by ClinVar (database versions not stated): gnomAD 0.00001.
gnomAD v4.1: 1 of 1,614,078 alleles (0.000062%); highest among the groups gnomAD compares: African/African-American, 0.0013%; no homozygotes.

Submissions (2):

Labcorp Genetics (formerly Invitae), Labcorp
Classification: Uncertain significance for Primary ciliary dyskinesia. Last evaluated: 2022-06-04. Review status: criteria provided, single submitter. Criteria: Invitae Variant Classification Sherloc (09022015). Collection method: clinical testing. Allele origin: germline.
Comment: This sequence change replaces glycine, which is neutral and non-polar, with alanine, which is neutral and non-polar, at codon 363 of the DNAI1 protein (p.Gly363Ala). This variant is present in population databases (no rsID available, gnomAD 0.01%). This variant has not been reported in the literature in individuals affected with DNAI1-related conditions. ClinVar contains an entry for this variant (Variation ID: 1515362). Algorithms developed to predict the effect of missense changes on protein structure and function are either unavailable or do not agree on the potential impact of this missense change (SIFT: "Tolerated"; PolyPhen-2: "Probably Damaging"; Align-GVGD: "Class C0"). In summary, the available evidence is currently insufficient to determine the role of this variant in disease. Therefore, it has been classified as a Variant of Uncertain Significance.

Natera, Inc.
Classification: Uncertain significance for Primary ciliary dyskinesia. Last evaluated: 2025-04-10. Review status: no assertion criteria provided. Collection method: clinical testing. Allele origin: germline. Not counted in ClinVar's aggregate classification.